The following is an entry in ClinVar:

ClinVar aggregate classification (germline): Uncertain significance (1 of 4 stars; one submission).

Submission:

Ambry Genetics
Classification: Uncertain significance. Last evaluated: 2025-10-15. Review status: criteria provided, single submitter. Criteria: Ambry Variant Classification Scheme 2023. Collection method: clinical testing. Allele origin: germline.
Comment: The p.N86K variant (also known as c.258T>G), located in coding exon 1 of the MLH3 gene, results from a T to G substitution at nucleotide position 258. The asparagine at codon 86 is replaced by lysine, an amino acid with similar properties. This amino acid position is conserved. In addition, this alteration is predicted to be tolerated by in silico analysis. Since supporting evidence is limited at this time, the clinical significance of this alteration remains unclear.

NM_001040108.2(MLH3):c.258T>G (p.Asn86Lys)

Gene: MLH3 (mutL homolog 3; minus strand). Cytogenetic location: 14q24.3.
Variant type: single nucleotide variant.
Coding change: c.258T>G on transcript NM_001040108.2 (MANE Select); coding-DNA position 258, T replaced by G.
Protein change: p.Asn86Lys; replaces asparagine 86 with lysine.
Molecular consequence: missense variant.
Genome position (GRCh38, 1-based): chr14:75,049,398, A>C on the plus strand (T>G on the coding strand, the complement: MLH3 is on the minus strand). VCF-style: chr14-75049398-A-C. GRCh37 (hg19) VCF-style: chr14-75516101-A-C.
Other names: c.258T>G, p.Asn86Lys (NM_014381.3); short protein forms N86K.
Identifiers: ClinVar variation 3232493 (VCV003232493.2), dbSNP rs547799821, ClinGen allele CA390451229.
Genomic context (GRCh38, chr14:75,049,398, plus strand): 5'-AGCACTGGCCATGTCAGCAATATTTGCCAAGGCCTCTCCTCGGAAACCATAAAACCTTGG[A>C]TTCTCCAAGTCCTGTACCGAGTGGCATTTACTGGTGAAATAACGATTTCCCACTTTCTCT-3'
Protein context (NP_001035197.1, residues 76-96): SKCHSVQDLE[Asn86Lys]PRFYGFRGEA